The following is an entry in ClinVar:

NM_000334.4(SCN4A):c.864C>T (p.Asn288=)

Gene: SCN4A (sodium voltage-gated channel alpha subunit 4; minus strand). Cytogenetic location: 17q23.3.
Variant type: single nucleotide variant.
Coding change: c.864C>T on transcript NM_000334.4 (MANE Select); coding-DNA position 864, C replaced by T.
Protein change: p.Asn288=; no amino-acid change (asparagine 288 retained).
Molecular consequence: synonymous variant.
Genome position (GRCh38, 1-based): chr17:63,968,195, G>A on the plus strand (C>T on the coding strand, the complement: SCN4A is on the minus strand). VCF-style: chr17-63968195-G-A. GRCh37 (hg19) VCF-style: chr17-62045555-G-A.
Other names: p.Asn288=.
Identifiers: ClinVar variation 130241 (VCV000130241.25), dbSNP rs7218917, ClinGen allele CA155090.
Genomic context (GRCh38, chr17:63,968,195, plus strand): 5'-GCCATACCATGTGTCATTGCCGTACCACGTGTCATTGCTGTACCACGTGGTGTTGGTGTC[G>A]TTGAACGGCGGGGGCCAGCGCACACACTTCTGCCTCAGGTTTCCCATGAAGAGCTGCAGT-3'
Protein context (NP_000325.4, residues 278-298): QKCVRWPPPF[Asn288=]DTNTTWYSND

ClinVar aggregate classification (germline): Benign. Review status: criteria provided, multiple submitters, no conflicts (2 of 4 stars). 12 submissions from 8 submitters: Benign (12). Last evaluated 2026-02-02.

Conditions:
Congenital myasthenic syndrome 16. Identifiers: Orphanet 590, MedGen C3280112, MONDO:0013620, OMIM 614198.
Paramyotonia congenita of Von Eulenburg. Also called: PARALYSIS PERIODICA PARAMYOTONICA; Paramyotonia Congenita; Eulenburg disease; Myotonia congenita intermittens; Von Eulenburg paramyotonia congenita. Identifiers: Orphanet 684, MedGen C0221055, MONDO:0008195, OMIM 168300. Disease mechanism: loss of function.
Potassium-aggravated myotonia. Also called: MYOTONIA CONGENITA, ACETAZOLAMIDE-RESPONSIVE; MYOTONIA CONGENITA, ATYPICAL; SODIUM CHANNEL MUSCLE DISEASE; Myotonia congenita, atypical, acetazolamide-responsive. Identifiers: Orphanet 612, Orphanet 99734, Orphanet 99735, Orphanet 99736, MedGen C2931826, MONDO:0018959, OMIM 608390.
Hyperkalemic periodic paralysis. Also called: Familial hyperkalemic periodic paralysis; Gamstorp disease. Identifiers: Orphanet 682, MedGen C0238357, MONDO:0008224, OMIM 170500, HP:0007215.
Hypokalemic periodic paralysis, type 2 (HOKPP2). Identifiers: Orphanet 681, MedGen C2750061, MONDO:0013234, OMIM 613345.

Allele frequency attached by ClinVar (database versions not stated): gnomAD exomes 0.02880 and 0.01979; ExAC 0.03120; gnomAD 0.06188 and 0.05979; ESP Exome Variant Server 0.06252; TOPMed 0.06579; 1000 Genomes Project 0.07368; 1000 Genomes Project 30x 0.07495.
gnomAD v4.1: 38,471 of 1,613,920 alleles (2.4%); highest among the groups gnomAD compares: African/African-American, 17%; 1,454 homozygotes.

Submissions (12):

Labcorp Genetics (formerly Invitae), Labcorp
Classification: Benign for Hyperkalemic periodic paralysis. Last evaluated: 2026-02-02. Review status: criteria provided, single submitter. Criteria: Invitae Variant Classification Sherloc (09022015). Collection method: clinical testing. Allele origin: germline.

Athena Diagnostics
Classification: Benign. Last evaluated: 2025-07-11. Review status: criteria provided, single submitter. Criteria: Athena Diagnostics Criteria. Collection method: clinical testing. Allele origin: unknown.
Comment: The frequency of this variant in the general population is higher than would generally be expected for pathogenic variants in this gene.

Mayo Clinic Laboratories, Mayo Clinic
Classification: Benign. Last evaluated: 2018-02-07. Review status: criteria provided, single submitter. Criteria: ACMG Guidelines, 2015. Collection method: clinical testing. Allele origin: germline. Observed: 66 variant alleles.

Illumina Laboratory Services, Illumina
Classification: Benign for Hyperkalemic periodic paralysis. Last evaluated: 2018-01-12. Review status: criteria provided, single submitter. Criteria: ICSL Variant Classification Criteria 13 December 2019. Collection method: clinical testing. Allele origin: germline.
Comment: This variant was observed in the ICSL laboratory as part of a predisposition screen in an ostensibly healthy population. It had not been previously curated by ICSL or reported in the Human Gene Mutation Database (HGMD: prior to June 1st, 2018), and was therefore a candidate for classification through an automated scoring system. Utilizing variant allele frequency, disease prevalence and penetrance estimates, and inheritance mode, an automated score was calculated to assess if this variant is too frequent to cause the disease. Based on the score and internal cut-off values, a variant classified as benign is not then subjected to further curation. The score for this variant resulted in a classification of benign for this disease.

Illumina Laboratory Services, Illumina
Classification: Benign for Paramyotonia congenita of Von Eulenburg. Last evaluated: 2018-01-12. Review status: criteria provided, single submitter. Criteria: ICSL Variant Classification Criteria 13 December 2019. Collection method: clinical testing. Allele origin: germline.
Comment: the same text as in the submission from Illumina Laboratory Services, Illumina above.

Illumina Laboratory Services, Illumina
Classification: Benign for Hypokalemic periodic paralysis, type 2. Last evaluated: 2018-01-12. Review status: criteria provided, single submitter. Criteria: ICSL Variant Classification Criteria 13 December 2019. Collection method: clinical testing. Allele origin: germline.
Comment: the same text as in the submission from Illumina Laboratory Services, Illumina above.

Illumina Laboratory Services, Illumina
Classification: Benign for Congenital myasthenic syndrome 16. Last evaluated: 2018-01-12. Review status: criteria provided, single submitter. Criteria: ICSL Variant Classification Criteria 13 December 2019. Collection method: clinical testing. Allele origin: germline.
Comment: the same text as in the submission from Illumina Laboratory Services, Illumina above.

Illumina Laboratory Services, Illumina
Classification: Benign for Potassium-aggravated myotonia. Last evaluated: 2018-01-12. Review status: criteria provided, single submitter. Criteria: ICSL Variant Classification Criteria 13 December 2019. Collection method: clinical testing. Allele origin: germline.
Comment: the same text as in the submission from Illumina Laboratory Services, Illumina above.

GeneDx
Classification: Benign. Last evaluated: 2016-02-29. Review status: criteria provided, single submitter. Criteria: GeneDx Variant Classification (06012015). Collection method: clinical testing. Allele origin: germline. Affected: yes.
Comment: This variant is considered likely benign or benign based on one or more of the following criteria: it is a conservative change, it occurs at a poorly conserved position in the protein, it is predicted to be benign by multiple in silico algorithms, and/or has population frequency not consistent with disease.

Genetic Services Laboratory, University of Chicago
Classification: Benign for AllHighlyPenetrant. Last evaluated: 2013-08-15. Review status: criteria provided, single submitter. Criteria: ACMG Guidelines, 2007. Collection method: clinical testing. Allele origin: germline. Inheritance: Autosomal recessive inheritance.

Breakthrough Genomics
Classification: Benign. Review status: criteria provided, single submitter. Criteria: ACMG Guidelines, 2015. Collection method: not provided. Allele origin: germline. Inheritance: Autosomal recessive inheritance. Affected: yes.

PreventionGenetics, part of Exact Sciences
Classification: Benign. Review status: criteria provided, single submitter. Criteria: ACMG Guidelines, 2015. Collection method: clinical testing. Allele origin: germline.